The following is an entry in ClinVar:

NM_001166108.2(PALLD):c.2944G>A (p.Gly982Arg)

Genes: CBR4 (carbonyl reductase 4; minus strand), PALLD (palladin, cytoskeletal associated protein; plus strand). Cytogenetic location: 4q32.3.
Variant type: single nucleotide variant.
Coding change: c.2944G>A on transcript NM_001166108.2 (MANE Select); coding-DNA position 2944, G replaced by A.
Protein change: p.Gly982Arg; replaces glycine 982 with arginine.
Molecular consequence: missense variant.
Genome position (GRCh38, 1-based): chr4:168,921,627, G>A. VCF-style: chr4-168921627-G-A. GRCh37 (hg19) VCF-style: chr4-169842778-G-A.
Other names: c.1747G>A, p.Gly583Arg (NM_001166109.2); c.1432G>A, p.Gly478Arg (NM_001166110.2); c.772G>A, p.Gly258Arg (NM_001367567.1, NM_001367569.1); c.823G>A, p.Gly275Arg (NM_001367568.1, NM_001367570.1); c.2893G>A, p.Gly965Arg (NM_016081.4); short protein forms G478R, G258R, G965R, G982R, G275R, G583R.
Identifiers: ClinVar variation 648376 (VCV000648376.13), dbSNP rs115988233, ClinGen allele CA109860551.

ClinVar aggregate classification (germline): Uncertain significance. Review status: criteria provided, multiple submitters, no conflicts (2 of 4 stars). 2 submissions from 2 submitters: Uncertain significance (2). Last evaluated 2024-01-13.

Conditions:
Pancreatic adenocarcinoma. Identifiers: MedGen C0281361, MONDO:0006047, HP:0006725.

Allele frequency attached by ClinVar (database versions not stated): gnomAD exomes below 0.00001; gnomAD 0.00003.
gnomAD v4.1: 6 of 1,610,616 alleles (0.00037%); highest among the groups gnomAD compares: African/African-American, 0.0041%; no homozygotes.

Submissions (2):

Ambry Genetics
Classification: Uncertain significance. Last evaluated: 2024-01-13. Review status: criteria provided, single submitter. Criteria: Ambry Variant Classification Scheme 2023. Collection method: clinical testing. Allele origin: germline.
Comment: The p.G965R variant (also known as c.2893G>A), located in coding exon 16 of the PALLD gene, results from a G to A substitution at nucleotide position 2893. The glycine at codon 965 is replaced by arginine, an amino acid with dissimilar properties. This amino acid position is conserved. In addition, this alteration is predicted to be deleterious by in silico analysis. Since supporting evidence is limited at this time, the clinical significance of this alteration remains unclear.

Labcorp Genetics (formerly Invitae), Labcorp
Classification: Uncertain significance for Pancreatic adenocarcinoma. Last evaluated: 2022-09-01. Review status: criteria provided, single submitter. Criteria: Invitae Variant Classification Sherloc (09022015). Collection method: clinical testing. Allele origin: germline.
Comment: In summary, the available evidence is currently insufficient to determine the role of this variant in disease. Therefore, it has been classified as a Variant of Uncertain Significance. Algorithms developed to predict the effect of missense changes on protein structure and function (SIFT, PolyPhen-2, Align-GVGD) all suggest that this variant is likely to be disruptive. ClinVar contains an entry for this variant (Variation ID: 648376). This variant has not been reported in the literature in individuals affected with PALLD-related conditions. The frequency data for this variant in the population databases is considered unreliable, as metrics indicate poor data quality at this position in the gnomAD database. This sequence change replaces glycine, which is neutral and non-polar, with arginine, which is basic and polar, at codon 478 of the PALLD protein (p.Gly478Arg).